The following is an entry in ClinVar:

NM_138927.4(SON):c.4786A>T (p.Thr1596Ser)

Gene: SON (SON DNA and RNA binding protein; plus strand). Cytogenetic location: 21q22.11.
Variant type: single nucleotide variant.
Coding change: c.4786A>T on transcript NM_138927.4 (MANE Select); coding-DNA position 4786, A replaced by T.
Protein change: p.Thr1596Ser; replaces threonine 1596 with serine.
Molecular consequence: missense variant. On other transcripts: non-coding transcript variant (1), intron variant (1).
Genome position (GRCh38, 1-based): chr21:33,554,017, A>T. VCF-style: chr21-33554017-A-T. GRCh37 (hg19) VCF-style: chr21-34926323-A-T.
Other names: c.4786A>T, p.Thr1596Ser (NM_001291411.2, NM_001412133.1, NM_032195.3 and 2 more transcripts); c.245-3139A>T (NM_001291412.3); short protein forms T1596S.
Identifiers: ClinVar variation 1920513 (VCV001920513.5), dbSNP rs112659554, ClinGen allele CA320153534.

ClinVar aggregate classification (germline): Uncertain significance (1 of 4 stars; one submission).

gnomAD v4.1: 15 of 1,614,094 alleles (0.00093%); highest among the groups gnomAD compares: African/African-American, 0.004%; no homozygotes.

Submission:

Labcorp Genetics (formerly Invitae), Labcorp
Classification: Uncertain significance. Last evaluated: 2022-10-03. Review status: criteria provided, single submitter. Criteria: Invitae Variant Classification Sherloc (09022015). Collection method: clinical testing. Allele origin: germline.
Comment: In summary, the available evidence is currently insufficient to determine the role of this variant in disease. Therefore, it has been classified as a Variant of Uncertain Significance. Algorithms developed to predict the effect of missense changes on protein structure and function (SIFT, PolyPhen-2, Align-GVGD) all suggest that this variant is likely to be tolerated. This variant has not been reported in the literature in individuals affected with SON-related conditions. This variant is present in population databases (rs112659554, gnomAD 0.002%). This sequence change replaces threonine, which is neutral and polar, with serine, which is neutral and polar, at codon 1596 of the SON protein (p.Thr1596Ser).